The following is an entry in ClinVar:

NM_170601.5(SIAE):c.556C>T (p.His186Tyr)

Gene: SIAE (sialic acid acetylesterase; minus strand). Cytogenetic location: 11q24.2.
Variant type: single nucleotide variant.
Coding change: c.556C>T on transcript NM_170601.5 (MANE Select); coding-DNA position 556, C replaced by T.
Protein change: p.His186Tyr; replaces histidine 186 with tyrosine.
Molecular consequence: missense variant.
Genome position (GRCh38, 1-based): chr11:124,649,785, G>A on the plus strand (C>T on the coding strand, the complement: SIAE is on the minus strand). VCF-style: chr11-124649785-G-A. GRCh37 (hg19) VCF-style: chr11-124519681-G-A.
Other names: c.451C>T, p.His151Tyr (NM_001199922.2); short protein forms H186Y, H151Y.
Identifiers: ClinVar variation 1425060 (VCV001425060.6), dbSNP rs764037284, ClinGen allele CA6341471.

ClinVar aggregate classification (germline): Uncertain significance (1 of 4 stars; one submission).

Allele frequency attached by ClinVar (database versions not stated): gnomAD 0.00002 and 0.00003; TOPMed 0.00002.
gnomAD v4.1: 122 of 1,613,998 alleles (0.0076%); highest among the groups gnomAD compares: Non-Finnish European, 0.01%; no homozygotes.

Submission:

Labcorp Genetics (formerly Invitae), Labcorp
Classification: Uncertain significance. Last evaluated: 2026-01-24. Review status: criteria provided, single submitter. Criteria: Invitae Variant Classification Sherloc (09022015). Collection method: clinical testing. Allele origin: germline.
Comment: This sequence change replaces histidine, which is basic and polar, with tyrosine, which is neutral and polar, at codon 186 of the SIAE protein (p.His186Tyr). This variant is present in population databases (rs764037284, gnomAD 0.005%). This variant has not been reported in the literature in individuals affected with SIAE-related conditions. ClinVar contains an entry for this variant (Variation ID: 1425060). An algorithm developed to predict the effect of missense changes on protein structure and function (PolyPhen-2) suggests that this variant is likely to be disruptive. In summary, the available evidence is currently insufficient to determine the role of this variant in disease. Therefore, it has been classified as a Variant of Uncertain Significance.